The following is an entry in ClinVar:

NC_000020.11:g.(?_44636217)_(44636298_?)del

Gene: ADA (adenosine deaminase; minus strand). Cytogenetic location: 20q13.12.
Variant type: Deletion.
Identifiers: ClinVar variation 832749 (VCV000832749.2).

ClinVar aggregate classification (germline): Pathogenic (1 of 4 stars; one submission).

Conditions:
Severe combined immunodeficiency, autosomal recessive, T cell-negative, B cell-negative, NK cell-negative, due to adenosine deaminase deficiency. Also called: ADA-SCID; SCID DUE TO ADA DEFICIENCY; SCID DUE TO ADA DEFICIENCY, EARLY-ONSET; Adenosine deaminase deficient severe combined immunodeficiency; Severe combined immunodeficiency due to ADA deficiency; Adenosine Deaminase Deficiency. Identifiers: Orphanet 277, MedGen C0392607, MONDO:0007064, OMIM 102700.

Submission:

Labcorp Genetics (formerly Invitae), Labcorp
Classification: Pathogenic for Severe combined immunodeficiency, autosomal recessive, T cell-negative, B cell-negative, NK cell-negative, due to adenosine deaminase deficiency. Last evaluated: 2022-09-11. Review status: criteria provided, single submitter. Criteria: Invitae Variant Classification Sherloc (09022015). Collection method: clinical testing. Allele origin: germline.
Comment: This variant is a gross deletion of the genomic region encompassing exon(s) 2 of the ADA gene. This deletion is out-of-frame, and is expected to create a premature termination codon and result in an absent or disrupted protein product. Loss-of-function variants in ADA are known to be pathogenic (PMID: 26255240, 26376800). A similar copy number variant has been observed in individual(s) with severe combined immunodeficiency (PMID: 33628209). For these reasons, this variant has been classified as Pathogenic.

Literature cited by the submitters: PubMed 26255240; PubMed 26376800; PubMed 33628209.